The following is an entry in ClinVar:

ClinVar aggregate classification (germline): Conflicting classifications of pathogenicity. Review status: criteria provided, conflicting classifications (1 of 4 stars). 5 submissions from 5 submitters: Uncertain significance (3); Likely benign (2). Last evaluated 2025-07-25.

Conditions:
MNX1-related disorder. Also called: MNX1-related condition.
Currarino triad. Identifiers: Orphanet 1552, MedGen C1531773, MONDO:0008305, OMIM 176450.

Submissions (5):

PreventionGenetics, part of Exact Sciences
Classification: Likely benign for MNX1-related condition. Last evaluated: 2025-07-25. Review status: criteria provided, single submitter. Criteria: ACMG Guidelines, 2015. Collection method: clinical testing. Allele origin: germline.
Comment: This variant is classified as likely benign based on ACMG/AMP sequence variant interpretation guidelines (Richards et al. 2015 PMID: 25741868, with internal and published modifications).

Labcorp Genetics (formerly Invitae), Labcorp
Classification: Likely benign. Last evaluated: 2025-06-12. Review status: criteria provided, single submitter. Criteria: Invitae Variant Classification Sherloc (09022015). Collection method: clinical testing. Allele origin: germline.

Department of Pathology and Laboratory Medicine, Sinai Health System
Classification: Uncertain significance for Currarino triad. Last evaluated: 2022-12-13. Review status: criteria provided, single submitter. Criteria: ACMG Guidelines, 2015. Collection method: research. Allele origin: germline.

Fulgent Genetics
Classification: Uncertain significance for Currarino triad. Last evaluated: 2022-03-16. Review status: criteria provided, single submitter. Criteria: ACMG Guidelines, 2015. Collection method: clinical testing. Allele origin: unknown.

Breakthrough Genomics
Classification: Uncertain significance. Review status: criteria provided, single submitter. Criteria: ACMG Guidelines, 2015. Collection method: not provided. Allele origin: germline. Inheritance: Autosomal recessive inheritance. Affected: yes.

NM_005515.4(MNX1):c.1074GGACGA[2] (p.358ED[2])

Gene: MNX1 (motor neuron and pancreas homeobox 1; minus strand). Cytogenetic location: 7q36.3.
Variant type: Microsatellite.
Coding change: c.1074GGACGA[2] on transcript NM_005515.4 (MANE Select); two copies in a row of the 6-base unit GGACGA starting at c.1074; the reference has three copies in a row; one copy, 6 bases deleted; also written c.1086_1091del.
Protein change: p.358ED[2].
Molecular consequence: inframe deletion.
Genome position (GRCh38, 1-based): chr7:157,005,635-157,005,640, TCGTCC deleted on the plus strand (GGACGA on the coding strand, the reverse complement: MNX1 is on the minus strand); deleting any 6 consecutive bases within chr7:157,005,635-157,005,654 gives the same sequence; the position shown is the placement nearest the transcript's 3' end. VCF-style (leftmost placement, unchanged base first): chr7-157005634-GTCGTCC-G. GRCh37 (hg19) VCF-style: chr7-156798328-GTCGTCC-G.
Other names: c.438GGACGA[2], p.146ED[2] (NM_001165255.2); c.1086_1091del (NM_005515.4); c.1086_1091del6 (NM_005515.3).
Identifiers: ClinVar variation 1427317 (VCV001427317.12), dbSNP rs763608839, ClinGen allele CA4589118.